The following is an entry in ClinVar:

NM_032608.7(MYO18B):c.5869C>A (p.Gln1957Lys)

Gene: MYO18B (myosin XVIIIB; plus strand). Cytogenetic location: 22q12.1.
Variant type: single nucleotide variant.
Coding change: c.5869C>A on transcript NM_032608.7 (MANE Select); coding-DNA position 5869, C replaced by A.
Protein change: p.Gln1957Lys; replaces glutamine 1957 with lysine.
Molecular consequence: missense variant.
Genome position (GRCh38, 1-based): chr22:25,952,322, C>A. VCF-style: chr22-25952322-C-A. GRCh37 (hg19) VCF-style: chr22-26348288-C-A.
Other names: c.5872C>A, p.Gln1958Lys (NM_001318245.2); short protein forms Q1957K, Q1958K.
Identifiers: ClinVar variation 2126334 (VCV002126334.4), dbSNP rs1324080523, ClinGen allele CA411008629.

ClinVar aggregate classification (germline): Uncertain significance (1 of 4 stars; one submission).

Allele frequency attached by ClinVar (database versions not stated): TOPMed below 0.00001.

Submission:

Labcorp Genetics (formerly Invitae), Labcorp
Classification: Uncertain significance. Last evaluated: 2022-04-15. Review status: criteria provided, single submitter. Criteria: Invitae Variant Classification Sherloc (09022015). Collection method: clinical testing. Allele origin: germline.
Comment: This sequence change replaces glutamine, which is neutral and polar, with lysine, which is basic and polar, at codon 1957 of the MYO18B protein (p.Gln1957Lys). This variant is not present in population databases (gnomAD no frequency). This variant has not been reported in the literature in individuals affected with MYO18B-related conditions. Algorithms developed to predict the effect of missense changes on protein structure and function output the following: SIFT: "Not Available"; PolyPhen-2: "Benign"; Align-GVGD: "Not Available". The lysine amino acid residue is found in multiple mammalian species, which suggests that this missense change does not adversely affect protein function. In summary, the available evidence is currently insufficient to determine the role of this variant in disease. Therefore, it has been classified as a Variant of Uncertain Significance.